The following is an entry in ClinVar:

NM_018951.4(HOXA10):c.1203G>A (p.Arg401=)

Genes: HOXA10 (homeobox A10; minus strand), HOXA10-HOXA9 (HOXA10-HOXA9 readthrough; minus strand). Cytogenetic location: 7p15.2.
Variant type: single nucleotide variant.
Coding change: c.1203G>A on transcript NM_018951.4 (MANE Select); coding-DNA position 1203, G replaced by A.
Protein change: p.Arg401=; no amino-acid change (arginine 401 retained).
Molecular consequence: synonymous variant. On other transcripts: non-coding transcript variant (1).
Genome position (GRCh38, 1-based): chr7:27,171,929, C>T on the plus strand (G>A on the coding strand, the complement: HOXA10 is on the minus strand). VCF-style: chr7-27171929-C-T. GRCh37 (hg19) VCF-style: chr7-27211548-C-T.
Identifiers: ClinVar variation 3056353 (VCV003056353.2), dbSNP rs34957925, ClinGen allele CA4197959.

ClinVar aggregate classification (germline): Benign (0 of 4 stars; one submission).

Conditions:
HOXA10-related disorder. Also called: HOXA10-related condition.

Allele frequency attached by ClinVar (database versions not stated): ESP Exome Variant Server 0.02806; 1000 Genomes Project 30x 0.01374; gnomAD 0.02509; ExAC 0.02712; gnomAD exomes 0.03516; 1000 Genomes Project 0.01258; TOPMed 0.02424.
gnomAD v4.1: 54,861 of 1,614,060 alleles (3.4%); highest among the groups gnomAD compares: Non-Finnish European, 4.1%; 1,102 homozygotes.

Submission:

PreventionGenetics, part of Exact Sciences
Classification: Benign for HOXA10-related condition. Last evaluated: 2019-04-10. Review status: no assertion criteria provided. Collection method: clinical testing. Allele origin: germline.
Comment: This variant is classified as benign based on ACMG/AMP sequence variant interpretation guidelines (Richards et al. 2015 PMID: 25741868, with internal and published modifications).